The following is an entry in ClinVar:

NM_002769.5(PRSS1):c.501C>A (p.Ser167Arg)

Genes: TRB (T cell receptor beta locus; plus strand), PRSS1 (serine protease 1; plus strand). Cytogenetic location: 7q34.
Variant type: single nucleotide variant.
Coding change: c.501C>A on transcript NM_002769.5 (MANE Select); coding-DNA position 501, C replaced by A.
Protein change: p.Ser167Arg; replaces serine 167 with arginine.
Molecular consequence: missense variant. On other transcripts: non-coding transcript variant (5).
Genome position (GRCh38, 1-based): chr7:142,752,477, C>A. VCF-style: chr7-142752477-C-A. GRCh37 (hg19) VCF-style: chr7-142460328-C-A.
Other names: short protein forms S167R.
Identifiers: ClinVar variation 3426314 (VCV003426314.1).

ClinVar aggregate classification (germline): Uncertain significance (1 of 4 stars; one submission).

Conditions:
Hereditary pancreatitis (PCTT). Also called: Hereditary chronic pancreatitis; PRSS1-Related Hereditary Pancreatitis. Identifiers: Orphanet 676, MedGen C0238339, MONDO:0008185, OMIM 167800.

gnomAD v4.1: 1 of 1,614,028 alleles (0.000062%); no homozygotes.

Submission:

Ambry Genetics
Classification: Uncertain significance for Hereditary pancreatitis. Last evaluated: 2024-08-12. Review status: criteria provided, single submitter. Criteria: Ambry Variant Classification Scheme 2023. Collection method: clinical testing. Allele origin: germline.
Comment: The p.S167R variant (also known as c.501C>A), located in coding exon 4 of the PRSS1 gene, results from a C to A substitution at nucleotide position 501. The serine at codon 167 is replaced by arginine, an amino acid with dissimilar properties. This amino acid position is conserved. In addition, the in silico prediction for this alteration is inconclusive. Based on the available evidence, the clinical significance of this variant remains unclear.